The following is an entry in ClinVar:

NM_006084.5(IRF9):c.668C>T (p.Thr223Ile)

Gene: IRF9 (interferon regulatory factor 9; plus strand). Cytogenetic location: 14q12.
Variant type: single nucleotide variant.
Coding change: c.668C>T on transcript NM_006084.5 (MANE Select); coding-DNA position 668, C replaced by T.
Protein change: p.Thr223Ile; replaces threonine 223 with isoleucine.
Molecular consequence: missense variant. On other transcripts: intron variant (1).
Genome position (GRCh38, 1-based): chr14:24,164,632, C>T. VCF-style: chr14-24164632-C-T. GRCh37 (hg19) VCF-style: chr14-24633841-C-T.
Other names: c.695C>T, p.Thr232Ile (NM_001385400.1, NM_001385401.1); c.650-245C>T (NM_001385402.1); short protein forms T223I, T232I.
Identifiers: ClinVar variation 2828857 (VCV002828857.3), dbSNP rs766387218, ClinGen allele CA7126540.

ClinVar aggregate classification (germline): Uncertain significance (1 of 4 stars; one submission).

Allele frequency attached by ClinVar (database versions not stated): ExAC 0.00001.
gnomAD v4.1: 2 of 1,606,044 alleles (0.00012%); highest among the groups gnomAD compares: Non-Finnish European, 0.00017%; no homozygotes.

Submission:

Labcorp Genetics (formerly Invitae), Labcorp
Classification: Uncertain significance. Last evaluated: 2025-03-24. Review status: criteria provided, single submitter. Criteria: Invitae Variant Classification Sherloc (09022015). Collection method: clinical testing. Allele origin: germline.
Comment: This sequence change replaces threonine, which is neutral and polar, with isoleucine, which is neutral and non-polar, at codon 223 of the IRF9 protein (p.Thr223Ile). This variant is present in population databases (rs766387218, gnomAD 0.0009%). This variant has not been reported in the literature in individuals affected with IRF9-related conditions. ClinVar contains an entry for this variant (Variation ID: 2828857). An algorithm developed to predict the effect of missense changes on protein structure and function (PolyPhen-2) suggests that this variant is likely to be disruptive. In summary, the available evidence is currently insufficient to determine the role of this variant in disease. Therefore, it has been classified as a Variant of Uncertain Significance.